The following is an entry in ClinVar:

NM_206933.4(USH2A):c.6437_6438del (p.Val2146fs)

Gene: USH2A (usherin; minus strand). Cytogenetic location: 1q41.
Variant type: Deletion.
Coding change: c.6437_6438del on transcript NM_206933.4 (MANE Select); coding-DNA positions 6437 to 6438, 2 bases deleted (TG; older notation c.6437_6438delTG).
Protein change: p.Val2146fs; shifts the reading frame from valine 2146.
Molecular consequence: frameshift variant.
Genome position (GRCh38, 1-based): chr1:216,000,450-216,000,451, CA deleted on the plus strand (TG on the coding strand, the reverse complement: USH2A is on the minus strand); deleting any 2 consecutive bases within chr1:216,000,450-216,000,452 gives the same sequence; the c. name uses the placement nearest the transcript's 3' end. VCF-style (leftmost placement, unchanged base first): chr1-216000449-CCA-C. GRCh37 (hg19) VCF-style: chr1-216173791-CCA-C.
Other names: short protein forms V2146fs.
Identifiers: ClinVar variation 4081856 (VCV004081856.1).
Genomic context (GRCh38, chr1:216,000,449, plus strand): 5'-ACATTTCTACTTACTGTATGTGTATAGTTCTAGAATCCAGGACAGTCAGAACTGGGGAAT[CCA>C]CGTGTTCTGGTGGCAGCTGTGCTGTGTACAGTAGGACCCAGGAACTGTTTGTACAGCCCA-3'

ClinVar aggregate classification (germline): Pathogenic (1 of 4 stars; one submission).

Conditions:
USH2A-related disorder. Also called: USH2A-related condition; USH2A-related disorders. Identifiers: MedGen CN239332.

Submission:

Myriad Genetics, Inc.
Classification: Pathogenic for USH2A-related disorder. Last evaluated: 2025-06-23. Review status: criteria provided, single submitter. Criteria: Myriad Autosomal Dominant, Autosomal Recessive and X-Linked Classification Criteria (2023). Collection method: clinical testing. Allele origin: unknown.
Comment: NM_206933.2(USH2A):c.6437_6438delTG(V2146Gfs*11) is a frameshift variant classified as pathogenic in the context of USH2A-related disorders. V2146Gfs*11 has not been observed in cases with relevant disease. Relevant functional assessments of this variant are not available in the literature. V2146Gfs*11 has not been observed in referenced population frequency databases. In summary, NM_206933.2(USH2A):c.6437_6438delTG(V2146Gfs*11) is a frameshift variant in a gene where loss of function is a known mechanism of disease and is predicted to disrupt protein function. Please note: this variant was assessed in the context of healthy population screening.